The following is an entry in ClinVar:

ClinVar aggregate classification (germline): Uncertain significance (1 of 4 stars; one submission).

Allele frequency attached by ClinVar (database versions not stated): gnomAD exomes below 0.00001; ExAC 0.00001.
gnomAD v4.1: 1 of 1,613,112 alleles (0.000062%); highest among the groups gnomAD compares: Admixed American, 0.0017%; no homozygotes.

Submission:

Labcorp Genetics (formerly Invitae), Labcorp
Classification: Uncertain significance. Last evaluated: 2022-06-25. Review status: criteria provided, single submitter. Criteria: Invitae Variant Classification Sherloc (09022015). Collection method: clinical testing. Allele origin: germline.
Comment: In summary, the available evidence is currently insufficient to determine the role of this variant in disease. Therefore, it has been classified as a Variant of Uncertain Significance. Algorithms developed to predict the effect of missense changes on protein structure and function are either unavailable or do not agree on the potential impact of this missense change (SIFT: "Not Available"; PolyPhen-2: "Possibly Damaging"; Align-GVGD: "Not Available"). This variant has not been reported in the literature in individuals affected with MYO18B-related conditions. This variant is present in population databases (rs759691752, gnomAD 0.003%). This sequence change replaces glycine, which is neutral and non-polar, with arginine, which is basic and polar, at codon 323 of the MYO18B protein (p.Gly323Arg).

NM_032608.7(MYO18B):c.967G>A (p.Gly323Arg)

Gene: MYO18B (myosin XVIIIB; plus strand). Cytogenetic location: 22q12.1.
Variant type: single nucleotide variant.
Coding change: c.967G>A on transcript NM_032608.7 (MANE Select); coding-DNA position 967, G replaced by A.
Protein change: p.Gly323Arg; replaces glycine 323 with arginine.
Molecular consequence: missense variant.
Genome position (GRCh38, 1-based): chr22:25,768,883, G>A. VCF-style: chr22-25768883-G-A. GRCh37 (hg19) VCF-style: chr22-26164850-G-A.
Other names: c.967G>A, p.Gly323Arg (NM_001318245.2); short protein forms G323R.
Identifiers: ClinVar variation 2010620 (VCV002010620.4), dbSNP rs759691752, ClinGen allele CA10159734.